The following is an entry in ClinVar:

ClinVar aggregate classification (germline): Uncertain significance. Review status: criteria provided, multiple submitters, no conflicts (2 of 4 stars). 2 submissions from 2 submitters: Uncertain significance (2). Last evaluated 2024-06-11.

Submissions (2):

GeneDx
Classification: Uncertain significance. Last evaluated: 2024-06-11. Review status: criteria provided, single submitter. Criteria: GeneDx Variant Classification Process June 2021. Collection method: clinical testing. Allele origin: germline. Affected: yes.
Comment: Not observed at significant frequency in large population cohorts (gnomAD); In silico analysis supports that this missense variant has a deleterious effect on protein structure/function; Has not been previously published as pathogenic or benign to our knowledge; This variant is associated with the following publications: (PMID: 26986877)

Labcorp Genetics (formerly Invitae), Labcorp
Classification: Uncertain significance. Last evaluated: 2021-12-29. Review status: criteria provided, single submitter. Criteria: Invitae Variant Classification Sherloc (09022015). Collection method: clinical testing. Allele origin: germline.
Comment: This sequence change replaces serine, which is neutral and polar, with arginine, which is basic and polar, at codon 229 of the NR2F1 protein (p.Ser229Arg). This variant is not present in population databases (gnomAD no frequency). In summary, the available evidence is currently insufficient to determine the role of this variant in disease. Therefore, it has been classified as a Variant of Uncertain Significance. Algorithms developed to predict the effect of missense changes on protein structure and function are either unavailable or do not agree on the potential impact of this missense change (SIFT: "Tolerated"; PolyPhen-2: "Probably Damaging"; Align-GVGD: "Class C0"). This variant has not been reported in the literature in individuals affected with NR2F1-related conditions.

NM_005654.6(NR2F1):c.687C>A (p.Ser229Arg)

Gene: NR2F1 (nuclear receptor subfamily 2 group F member 1; plus strand). Cytogenetic location: 5q15.
Variant type: single nucleotide variant.
Coding change: c.687C>A on transcript NM_005654.6 (MANE Select); coding-DNA position 687, C replaced by A.
Protein change: p.Ser229Arg; replaces serine 229 with arginine.
Molecular consequence: missense variant.
Genome position (GRCh38, 1-based): chr5:93,588,140, C>A. VCF-style: chr5-93588140-C-A. GRCh37 (hg19) VCF-style: chr5-92923846-C-A.
Other names: c.687C>A (NM_005654.4); c.237C>A, p.Ser79Arg (NM_001410754.1); short protein forms S229R, S79R.
Identifiers: ClinVar variation 2065466 (VCV002065466.5), dbSNP rs2480808833, ClinGen allele CA360526860.
Genomic context (GRCh38, chr5:93,588,140, plus strand): 5'-GCCCAACAACATTATGGGCATCGAGAACATCTGCGAGCTGGCCGCGCGCCTGCTCTTCAG[C>A]GCCGTCGAGTGGGCCCGCAACATCCCCTTCTTCCCGGATCTGCAGATCACCGACCAGGTG-3'
Protein context (NP_005645.1, residues 219-239): ICELAARLLF[Ser229Arg]AVEWARNIPF